The following is an entry in ClinVar:

ClinVar aggregate classification (germline): Uncertain significance (1 of 4 stars; one submission).

Submission:

Labcorp Genetics (formerly Invitae), Labcorp
Classification: Uncertain significance. Last evaluated: 2024-09-16. Review status: criteria provided, single submitter. Criteria: Invitae Variant Classification Sherloc (09022015). Collection method: clinical testing. Allele origin: germline.
Comment: This sequence change replaces isoleucine, which is neutral and non-polar, with arginine, which is basic and polar, at codon 2258 of the ADGRV1 protein (p.Ile2258Arg). This variant is not present in population databases (gnomAD no frequency). This variant has not been reported in the literature in individuals affected with ADGRV1-related conditions. Invitae Evidence Modeling of protein sequence and biophysical properties (such as structural, functional, and spatial information, amino acid conservation, physicochemical variation, residue mobility, and thermodynamic stability) has been performed for this missense variant. However, the output from this modeling did not meet the statistical confidence thresholds required to predict the impact of this variant on ADGRV1 protein function. In summary, the available evidence is currently insufficient to determine the role of this variant in disease. Therefore, it has been classified as a Variant of Uncertain Significance.

NM_032119.4(ADGRV1):c.6773T>G (p.Ile2258Arg)

Gene: ADGRV1 (adhesion G protein-coupled receptor V1; plus strand). Cytogenetic location: 5q14.3.
Variant type: single nucleotide variant.
Coding change: c.6773T>G on transcript NM_032119.4 (MANE Select); coding-DNA position 6773, T replaced by G.
Protein change: p.Ile2258Arg; replaces isoleucine 2258 with arginine.
Molecular consequence: missense variant. On other transcripts: non-coding transcript variant (1).
Genome position (GRCh38, 1-based): chr5:90,690,863, T>G. VCF-style: chr5-90690863-T-G. GRCh37 (hg19) VCF-style: chr5-89986680-T-G.
Other names: short protein forms I2258R.
Identifiers: ClinVar variation 3622193 (VCV003622193.2).
Genomic context (GRCh38, chr5:90,690,863, plus strand): 5'-AGATTACTAAACTTATTGTAGAGGAACCTGAGTTTAACTCAGTGAAGGTAAACCTGCCAA[T>G]AATTCGAAATTCTGGGACACTCGGCAATGTTACTGTTCAGTGGGTTGCCACCATTAATGG-3'
Protein context (NP_115495.3, residues 2248-2268): EFNSVKVNLP[Ile2258Arg]IRNSGTLGNV